The following is an entry in ClinVar:

NM_144631.6(ZNF513):c.382G>T (p.Gly128Cys)

Gene: ZNF513 (zinc finger protein 513; minus strand). Cytogenetic location: 2p23.3.
Variant type: single nucleotide variant.
Coding change: c.382G>T on transcript NM_144631.6 (MANE Select); coding-DNA position 382, G replaced by T.
Protein change: p.Gly128Cys; replaces glycine 128 with cysteine.
Molecular consequence: missense variant.
Genome position (GRCh38, 1-based): chr2:27,378,884, C>A on the plus strand (G>T on the coding strand, the complement: ZNF513 is on the minus strand). VCF-style: chr2-27378884-C-A. GRCh37 (hg19) VCF-style: chr2-27601751-C-A.
Other names: c.196G>T, p.Gly66Cys (NM_001201459.2); short protein forms G128C, G66C.
Identifiers: ClinVar variation 2810182 (VCV002810182.3), dbSNP rs2465625525, ClinGen allele CA346218485.

ClinVar aggregate classification (germline): Uncertain significance (1 of 4 stars; one submission).

Submission:

Labcorp Genetics (formerly Invitae), Labcorp
Classification: Uncertain significance. Last evaluated: 2023-07-19. Review status: criteria provided, single submitter. Criteria: Invitae Variant Classification Sherloc (09022015). Collection method: clinical testing. Allele origin: germline.
Comment: In summary, the available evidence is currently insufficient to determine the role of this variant in disease. Therefore, it has been classified as a Variant of Uncertain Significance. Algorithms developed to predict the effect of sequence changes on RNA splicing suggest that this variant may disrupt the consensus splice site. Algorithms developed to predict the effect of missense changes on protein structure and function output the following: SIFT: "Not Available"; PolyPhen-2: "Benign"; Align-GVGD: "Not Available". The cysteine amino acid residue is found in multiple mammalian species, which suggests that this missense change does not adversely affect protein function. This variant has not been reported in the literature in individuals affected with ZNF513-related conditions. This variant is not present in population databases (gnomAD no frequency). This sequence change replaces glycine, which is neutral and non-polar, with cysteine, which is neutral and slightly polar, at codon 128 of the ZNF513 protein (p.Gly128Cys).